The following is an entry in ClinVar:

ClinVar aggregate classification (germline): Conflicting classifications of pathogenicity. Review status: criteria provided, conflicting classifications (1 of 4 stars). 5 submissions from 4 submitters: Uncertain significance (4); Likely benign (1). Last evaluated 2025-04-20.

Conditions:
Mevalonic aciduria (MEVA). Identifiers: Orphanet 29, MedGen C1959626, MONDO:0012481, OMIM 610377.
Hyperimmunoglobulin D with periodic fever (HIDS). Also called: Hyperimmunoglobulinemia D; Hyperimmunoglobulinemia D with periodic fever; HYPERIMMUNOGLOBULINEMIA D AND PERIODIC FEVER SYNDROME. Identifiers: Orphanet 343, MedGen C0398691, MONDO:0009849, OMIM 260920.
Porokeratosis 3, disseminated superficial actinic type (POROK3). Also called: POROKERATOSIS, DISSEMINATED SUPERFICIAL ACTINIC, 1; POROKERATOSIS 3, MULTIPLE TYPES; POROKERATOSIS 3, MIBELLI TYPE. Identifiers: MedGen C1867981, MONDO:0008293, OMIM 175900.
Inborn genetic diseases. Identifiers: MedGen C0950123, MeSH D030342.

Allele frequency attached by ClinVar (database versions not stated): ExAC 0.00002; gnomAD 0.00002 and 0.00003; gnomAD exomes 0.00002 and 0.00003; TOPMed 0.00002; 1000 Genomes Project 30x 0.00016; 1000 Genomes Project 0.00020.
gnomAD v4.1: 40 of 1,614,146 alleles (0.0025%); highest among the groups gnomAD compares: Admixed American, 0.005%; no homozygotes.

Submissions (5):

Ambry Genetics
Classification: Likely benign for Inborn genetic diseases. Last evaluated: 2025-04-20. Review status: criteria provided, single submitter. Criteria: Ambry Variant Classification Scheme 2023. Collection method: clinical testing. Allele origin: germline.

ARUP Laboratories, Molecular Genetics and Genomics, ARUP Laboratories
Classification: Uncertain significance. Last evaluated: 2024-06-19. Review status: criteria provided, single submitter. Criteria: ARUP Molecular Germline Variant Investigation Process 2024. Collection method: clinical testing. Allele origin: germline.
Comment: The MVK c.178C>T, p.Arg60Trp variant (rs202167435), to our knowledge, is not reported in the medical literature but is reported in ClinVar (Variation ID: 883541). This variant is observed in the general population with an overall allele frequency of 0.002% (5/251462 alleles) in the Genome Aggregation Database (v2.1.1). Computational analyses are uncertain whether this variant is neutral or deleterious (REVEL: 0.519). Due to limited information, the clinical significance of the p.Arg60Trp variant is uncertain at this time.

Labcorp Genetics (formerly Invitae), Labcorp
Classification: Uncertain significance for Mevalonic aciduria; Hyperimmunoglobulin D with periodic fever; Porokeratosis 3, disseminated superficial actinic type. Last evaluated: 2022-08-22. Review status: criteria provided, single submitter. Criteria: Invitae Variant Classification Sherloc (09022015). Collection method: clinical testing. Allele origin: germline.
Comment: This sequence change replaces arginine, which is basic and polar, with tryptophan, which is neutral and slightly polar, at codon 60 of the MVK protein (p.Arg60Trp). This variant is present in population databases (rs202167435, gnomAD 0.006%). This variant has not been reported in the literature in individuals affected with MVK-related conditions. ClinVar contains an entry for this variant (Variation ID: 883541). Advanced modeling of protein sequence and biophysical properties (such as structural, functional, and spatial information, amino acid conservation, physicochemical variation, residue mobility, and thermodynamic stability) performed at Invitae indicates that this missense variant is not expected to disrupt MVK protein function. Algorithms developed to predict the effect of sequence changes on RNA splicing suggest that this variant may create or strengthen a splice site. In summary, the available evidence is currently insufficient to determine the role of this variant in disease. Therefore, it has been classified as a Variant of Uncertain Significance.

Illumina Laboratory Services, Illumina
Classification: Uncertain significance for Hyperimmunoglobulin D with periodic fever. Last evaluated: 2018-01-13. Review status: criteria provided, single submitter. Criteria: ICSL Variant Classification Criteria 13 December 2019. Collection method: clinical testing. Allele origin: germline.

Illumina Laboratory Services, Illumina
Classification: Uncertain significance for Mevalonic aciduria. Last evaluated: 2018-01-13. Review status: criteria provided, single submitter. Criteria: ICSL Variant Classification Criteria 13 December 2019. Collection method: clinical testing. Allele origin: germline.

NM_000431.4(MVK):c.178C>T (p.Arg60Trp)

Gene: MVK (mevalonate kinase; plus strand). Cytogenetic location: 12q24.11.
Variant type: single nucleotide variant.
Coding change: c.178C>T on transcript NM_000431.4 (MANE Select); coding-DNA position 178, C replaced by T.
Protein change: p.Arg60Trp; replaces arginine 60 with tryptophan.
Molecular consequence: missense variant.
Genome position (GRCh38, 1-based): chr12:109,576,097, C>T. VCF-style: chr12-109576097-C-T. GRCh37 (hg19) VCF-style: chr12-110013902-C-T.
Other names: c.178C>T, p.Arg60Trp (NM_001114185.3, NM_001301182.2); short protein forms R60W.
Identifiers: ClinVar variation 883541 (VCV000883541.16), dbSNP rs202167435, ClinGen allele CA6779162.